The following is an entry in ClinVar:

ClinVar aggregate classification (germline): Uncertain significance (1 of 4 stars; one submission).

Conditions:
Pitt-Hopkins-like syndrome 2 (PTHSL2). Identifiers: Orphanet 221150, Orphanet 600663, MedGen C3280479, MONDO:0013690, OMIM 614325.

Submission:

Labcorp Genetics (formerly Invitae), Labcorp
Classification: Uncertain significance for Pitt-Hopkins-like syndrome 2. Last evaluated: 2019-04-24. Review status: criteria provided, single submitter. Criteria: Invitae Variant Classification Sherloc (09022015). Collection method: clinical testing. Allele origin: germline.
Comment: This sequence change replaces serine with arginine at codon 860 of the NRXN1 protein (p.Ser860Arg). The serine residue is highly conserved and there is a moderate physicochemical difference between serine and arginine. This variant is not present in population databases (ExAC no frequency). This variant has not been reported in the literature in individuals with NRXN1-related conditions. Algorithms developed to predict the effect of missense changes on protein structure and function (SIFT, PolyPhen-2, Align-GVGD) all suggest that this variant is likely to be tolerated, but these predictions have not been confirmed by published functional studies and their clinical significance is uncertain. In summary, the available evidence is currently insufficient to determine the role of this variant in disease. Therefore, it has been classified as a Variant of Uncertain Significance.

NM_001330078.2(NRXN1):c.2458A>C (p.Ser820Arg)

Gene: NRXN1 (neurexin 1; minus strand). Cytogenetic location: 2p16.3.
Variant type: single nucleotide variant.
Coding change: c.2458A>C on transcript NM_001330078.2 (MANE Select); coding-DNA position 2458, A replaced by C.
Protein change: p.Ser820Arg; replaces serine 820 with arginine.
Molecular consequence: missense variant.
Genome position (GRCh38, 1-based): chr2:50,506,534, T>G on the plus strand (A>C on the coding strand, the complement: NRXN1 is on the minus strand). VCF-style: chr2-50506534-T-G. GRCh37 (hg19) VCF-style: chr2-50733672-T-G.
Other names: c.2578A>C, p.Ser860Arg (NM_001135659.3); c.2434A>C, p.Ser812Arg (NM_001330077.2, NM_001330082.2); c.2392A>C, p.Ser798Arg (NM_001330083.2, NM_001330084.2); c.2431A>C, p.Ser811Arg (NM_001330085.2); c.2458A>C, p.Ser820Arg (NM_001330086.2, NM_004801.6); c.2347A>C, p.Ser783Arg (NM_001330087.2, NM_001330096.2); c.2377A>C, p.Ser793Arg (NM_001330088.2); c.2455A>C, p.Ser819Arg (NM_001330093.2); and 2 more; short protein forms S783R, S803R, S816R, S812R, S819R, S793R, S798R, S811R.
Identifiers: ClinVar variation 834202 (VCV000834202.9), dbSNP rs2092232203, ClinGen allele CA346777908.